The following is an entry in ClinVar:

ClinVar aggregate classification (germline): Uncertain significance (1 of 4 stars; one submission).

Allele frequency attached by ClinVar (database versions not stated): 1000 Genomes Project 0.00020; 1000 Genomes Project 30x 0.00031.

Submission:

GeneDx
Classification: Uncertain significance. Last evaluated: 2022-11-15. Review status: criteria provided, single submitter. Criteria: GeneDx Variant Classification Process June 2021. Collection method: clinical testing. Allele origin: germline. Affected: yes.
Comment: In silico analysis supports that this missense variant does not alter protein structure/function; Has not been previously published as pathogenic or benign to our knowledge

NM_001199799.2(ILDR1):c.929T>C (p.Phe310Ser)

Gene: ILDR1 (immunoglobulin like domain containing receptor 1; minus strand). Cytogenetic location: 3q13.33.
Variant type: single nucleotide variant.
Coding change: c.929T>C on transcript NM_001199799.2 (MANE Select); coding-DNA position 929, T replaced by C.
Protein change: p.Phe310Ser; replaces phenylalanine 310 with serine.
Molecular consequence: missense variant.
Genome position (GRCh38, 1-based): chr3:121,993,820, A>G on the plus strand (T>C on the coding strand, the complement: ILDR1 is on the minus strand). VCF-style: chr3-121993820-A-G. GRCh37 (hg19) VCF-style: chr3-121712667-A-G.
Other names: c.662T>C, p.Phe221Ser (NM_001199800.2); c.797T>C, p.Phe266Ser (NM_175924.4); short protein forms F221S, F266S, F310S.
Identifiers: ClinVar variation 2502108 (VCV002502108.1), dbSNP rs199882599, ClinGen allele CA2568789.
Genomic context (GRCh38, chr3:121,993,820, plus strand): 5'-ATGATTCTGCGTTCCACGACCTCAGAGCCCAGGGAGGACAGCATGCTGCAGGGATGGCCA[A>G]ATCTGCCTTTGAGGTCAGGGGGCAGAGGCTGGGCCAGGTTGAGGTTCCGCAGTTCTTTCT-3'
Protein context (NP_001186728.1, residues 300-320): QPLPPDLKGR[Phe310Ser]GHPCSMLSSL